The following is an entry in ClinVar:

ClinVar aggregate classification (germline): Pathogenic (1 of 4 stars; one submission).

Conditions:
Hereditary spastic paraplegia 11. Also called: Spastic Paraplegia 11; Spastic paraplegia, mental retardation and thin corpus callosum; SPASTIC PARAPLEGIA, AUTOSOMAL RECESSIVE, COMPLICATED, WITH THIN CORPUS CALLOSUM; SPASTIC PARAPLEGIA, AUTOSOMAL RECESSIVE, WITH MENTAL IMPAIRMENT AND THIN CORPUS CALLOSUM; Nakamura Osame syndrome; Autosomal recessive hereditary spastic paraplegia, mental impairment, and thin corpus callosum. Identifiers: Orphanet 2822, MedGen C1858479, MONDO:0011445, OMIM 604360.

Allele frequency attached by ClinVar (database versions not stated): TOPMed below 0.00001.

Submission:

Labcorp Genetics (formerly Invitae), Labcorp
Classification: Pathogenic for Hereditary spastic paraplegia 11. Last evaluated: 2023-07-12. Review status: criteria provided, single submitter. Criteria: Invitae Variant Classification Sherloc (09022015). Collection method: clinical testing. Allele origin: germline.
Comment: For these reasons, this variant has been classified as Pathogenic. Algorithms developed to predict the effect of sequence changes on RNA splicing suggest that this variant may disrupt the consensus splice site. Disruption of this splice site has been observed in individuals with hereditary spastic paraplegia (PMID: 18067136, 20390432). This variant is not present in population databases (gnomAD no frequency). This sequence change affects a donor splice site in intron 2 of the SPG11 gene. It is expected to disrupt RNA splicing. Variants that disrupt the donor or acceptor splice site typically lead to a loss of protein function (PMID: 16199547), and loss-of-function variants in SPG11 are known to be pathogenic (PMID: 19105190, 20110243, 22154821, 26556829).

Literature cited by the submitters: PubMed 18067136; PubMed 20390432; PubMed 16199547; PubMed 19105190; PubMed 20110243; PubMed 22154821; PubMed 26556829.

NM_025137.4(SPG11):c.442+1G>A

Gene: SPG11 (SPG11 vesicle trafficking associated, spatacsin; minus strand). Cytogenetic location: 15q21.1.
Variant type: single nucleotide variant.
Coding change: c.442+1G>A on transcript NM_025137.4 (MANE Select); the canonical splice donor site of the intron after coding-DNA position 442, G replaced by A.
Molecular consequence: splice donor variant.
Genome position (GRCh38, 1-based): chr15:44,660,431, C>T on the plus strand (G>A on the coding strand, the complement: SPG11 is on the minus strand). VCF-style: chr15-44660431-C-T. GRCh37 (hg19) VCF-style: chr15-44952629-C-T.
Other names: c.442+1G>A (NM_001411132.1, NM_001160227.2).
Identifiers: ClinVar variation 2736200 (VCV002736200.3), dbSNP rs312262715, ClinGen allele CA392238057.
Genomic context (GRCh38, chr15:44,660,431, plus strand): 5'-TGTAACTACATGGTAATGTCACAAATTTAAATATGCTGAAAGACCACCTGTAGATACTTA[C>T]TGATATCTTGATCGTCAATGAGCTTTTGCAATGCCTCCCTACTACAGCTATACAAAATGG-3'